The following is an entry in ClinVar:

ClinVar aggregate classification (germline): Uncertain significance (1 of 4 stars; one submission).

Submission:

GeneDx
Classification: Uncertain significance. Last evaluated: 2023-05-04. Review status: criteria provided, single submitter. Criteria: GeneDx Variant Classification Process June 2021. Collection method: clinical testing. Allele origin: germline. Affected: yes.
Comment: Not observed at significant frequency in large population cohorts (gnomAD); In silico analysis supports that this missense variant does not alter protein structure/function; Has not been previously published as pathogenic or benign to our knowledge

NM_001122955.4(BSCL2):c.58G>C (p.Asp20His)

Genes: HNRNPUL2-BSCL2 (HNRNPUL2-BSCL2 readthrough (NMD candidate); minus strand), BSCL2 (BSCL2 lipid droplet biogenesis associated, seipin; minus strand), GNG3 (G protein subunit gamma 3; plus strand). Cytogenetic location: 11q12.3.
Variant type: single nucleotide variant.
Coding change: c.58G>C on transcript NM_001122955.4 (MANE Select); coding-DNA position 58, G replaced by C.
Protein change: p.Asp20His; replaces aspartic acid 20 with histidine.
Molecular consequence: missense variant. On other transcripts: non-coding transcript variant (1).
Genome position (GRCh38, 1-based): chr11:62,707,138, C>G on the plus strand (G>C on the coding strand, the complement: BSCL2 is on the minus strand). VCF-style: chr11-62707138-C-G. GRCh37 (hg19) VCF-style: chr11-62474610-C-G.
Other names: c.58G>C, p.Asp20His (NM_001386027.1, NM_001386028.1); short protein forms D20H.
Identifiers: ClinVar variation 3343293 (VCV003343293.1).
Genomic context (GRCh38, chr11:62,707,138, plus strand): 5'-TTCTGCTGACTGTCCCCACAAGGGCCCCTACCTCCTCTTTGTCCGGTCCTTTGATCTGGT[C>G]TCCGCACACCTCTTTTTCCCCAGCTTCCTCCTTTTGGTCTACCTTTTCTGTAGACATCTT-3'
Protein context (NP_001116427.1, residues 10-30): EEAGEKEVCG[Asp20His]QIKGPDKEEE